The following is an entry in ClinVar:

NM_000089.4(COL1A2):c.2025+2dup

Gene: COL1A2 (collagen type I alpha 2 chain; plus strand). Cytogenetic location: 7q21.3.
Variant type: Duplication.
Coding change: c.2025+2dup on transcript NM_000089.4 (MANE Select); the canonical splice donor site of the intron after coding-DNA position 2025, one base duplicated (T; older notation c.2025+2dupT).
Molecular consequence: splice donor variant.
Genome position (GRCh38, 1-based): chr7:94,418,554, T duplicated. VCF-style (leftmost placement, unchanged base first): chr7-94418553-G-GT. GRCh37 (hg19) VCF-style: chr7-94047865-G-GT.
Identifiers: ClinVar variation 3754974 (VCV003754974.2).
Genomic context (GRCh38, chr7:94,418,553, plus strand): 5'-TTTCAGGGTGAACCTGGTCTCAGAGGTGAAATTGGTAACCCTGGCAGAGATGGTGCTCGT[G>GT]TGAGTAGAATTTTGTTTGTATGTTTCTTCGTACTTGGATTTTTTTTTTATGTTTGAATTG-3'

ClinVar aggregate classification (germline): Uncertain significance (1 of 4 stars; one submission).

Conditions:
Ehlers-Danlos syndrome, classic type, 1 (EDSCL1). Also called: EHLERS-DANLOS SYNDROME, GRAVIS TYPE; EHLERS-DANLOS SYNDROME, SEVERE CLASSIC TYPE; Ehlers-Danlos syndrome, type 1; Ehlers-Danlos Syndrome, Classic Type, COL5A1-Related; EDS I. Identifiers: MedGen C0268335, MONDO:0019567, OMIM 130000.
Osteogenesis imperfecta type I (OI1). Also called: OI, TYPE I; OSTEOGENESIS IMPERFECTA TARDA; OSTEOGENESIS IMPERFECTA WITH BLUE SCLERAE; Osteogenesis imperfecta type 1; Lobstein's Disease; Lobstein disease. Identifiers: Orphanet 216796, Orphanet 666, MedGen C0023931, MONDO:0008146, OMIM 166200. Disease mechanism: loss of function.

Submission:

Labcorp Genetics (formerly Invitae), Labcorp
Classification: Uncertain significance for Osteogenesis imperfecta type I; Ehlers-Danlos syndrome, classic type, 1. Last evaluated: 2024-02-27. Review status: criteria provided, single submitter. Criteria: Invitae Variant Classification Sherloc (09022015). Collection method: clinical testing. Allele origin: germline.
Comment: This sequence change falls in intron 33 of the COL1A2 gene. It does not directly change the encoded amino acid sequence of the COL1A2 protein. It affects a nucleotide within the consensus splice site. This variant is not present in population databases (gnomAD no frequency). This variant has been observed in individual(s) with osteogenesis imperfecta (Invitae). Variants that disrupt the consensus splice site are a relatively common cause of aberrant splicing (PMID: 17576681, 9536098). Algorithms developed to predict the effect of sequence changes on RNA splicing suggest that this variant may disrupt the consensus splice site. In summary, the available evidence is currently insufficient to determine the role of this variant in disease. Therefore, it has been classified as a Variant of Uncertain Significance.

Literature cited by the submitters: PubMed 17576681; PubMed 9536098.